The following is an entry in ClinVar:

ClinVar aggregate classification (germline): Uncertain significance (1 of 4 stars; one submission).

Conditions:
Cardiovascular phenotype. Identifiers: MedGen CN230736.

Submission:

Ambry Genetics
Classification: Uncertain significance for Cardiovascular phenotype. Last evaluated: 2025-12-11. Review status: criteria provided, single submitter. Criteria: Ambry Variant Classification Scheme 2023. Collection method: clinical testing. Allele origin: germline.
Comment: The p.L242F variant (also known as c.724C>T), located in coding exon 7 of the NEXN gene, results from a C to T substitution at nucleotide position 724. The leucine at codon 242 is replaced by phenylalanine, an amino acid with highly similar properties. This amino acid position is conserved. In addition, this alteration is predicted to be tolerated by in silico analysis. Based on the available evidence, the clinical significance of this variant remains unclear.

NM_144573.4(NEXN):c.724C>T (p.Leu242Phe)

Gene: NEXN (nexilin F-actin binding protein; plus strand). Cytogenetic location: 1p31.1.
Variant type: single nucleotide variant.
Coding change: c.724C>T on transcript NM_144573.4 (MANE Select); coding-DNA position 724, C replaced by T.
Protein change: p.Leu242Phe; replaces leucine 242 with phenylalanine.
Molecular consequence: missense variant.
Genome position (GRCh38, 1-based): chr1:77,926,752, C>T. VCF-style: chr1-77926752-C-T. GRCh37 (hg19) VCF-style: chr1-78392437-C-T.
Other names: c.532C>T, p.Leu178Phe (NM_001172309.2); short protein forms L178F, L242F.
Identifiers: ClinVar variation 4614696 (VCV004614696.1).